The following is an entry in ClinVar:

ClinVar aggregate classification (germline): Benign (1 of 4 stars; one submission).

Allele frequency attached by ClinVar (database versions not stated): gnomAD 0.28579 and 0.28951; 1000 Genomes Project 0.29934; TOPMed 0.29959; 1000 Genomes Project 30x 0.31134.
gnomAD v4.1: 31,307 of 109,832 alleles (29%); highest among the groups gnomAD compares: African/African-American, 47%; 3,864 homozygotes.

Submission:

GeneDx
Classification: Benign. Last evaluated: 2018-06-14. Review status: criteria provided, single submitter. Criteria: GeneDx Variant Classification (06012015). Collection method: clinical testing. Allele origin: germline. Affected: yes.
Comment: This variant is considered likely benign or benign based on one or more of the following criteria: it is a conservative change, it occurs at a poorly conserved position in the protein, it is predicted to be benign by multiple in silico algorithms, and/or has population frequency not consistent with disease.

NM_004006.3(DMD):c.2169-204T>C

Gene: DMD (dystrophin; minus strand). Cytogenetic location: Xp21.1.
Variant type: single nucleotide variant.
Coding change: c.2169-204T>C on transcript NM_004006.3 (MANE Select); 204 bases into the intron before coding-DNA position 2169, T replaced by C.
Molecular consequence: intron variant.
Genome position (GRCh38, 1-based): chrX:32,518,335, A>G on the plus strand (T>C on the coding strand, the complement: DMD is on the minus strand). VCF-style: chrX-32518335-A-G. GRCh37 (hg19) VCF-style: chrX-32536452-A-G.
Other names: c.2145-204T>C (NM_000109.4); c.2157-204T>C (NM_004009.3); c.1800-204T>C (NM_004010.3).
Identifiers: ClinVar variation 672488 (VCV000672488.1), dbSNP rs228333, ClinGen allele CA328009737.